The following is an entry in ClinVar:

NM_194277.3(FRMD7):c.346A>G (p.Asn116Asp)

Gene: FRMD7 (FERM domain containing 7; minus strand). Cytogenetic location: Xq26.2.
Variant type: single nucleotide variant.
Coding change: c.346A>G on transcript NM_194277.3 (MANE Select); coding-DNA position 346, A replaced by G.
Protein change: p.Asn116Asp; replaces asparagine 116 with aspartic acid.
Molecular consequence: missense variant.
Genome position (GRCh38, 1-based): chrX:132,094,078, T>C on the plus strand (A>G on the coding strand, the complement: FRMD7 is on the minus strand). VCF-style: chrX-132094078-T-C. GRCh37 (hg19) VCF-style: chrX-131228106-T-C.
Other names: c.301A>G, p.Asn101Asp (NM_001306193.2); short protein forms N101D, N116D.
Identifiers: ClinVar variation 1491899 (VCV001491899.6), dbSNP rs771169687, ClinGen allele CA10519075.

ClinVar aggregate classification (germline): Uncertain significance (1 of 4 stars; one submission).

Allele frequency attached by ClinVar (database versions not stated): gnomAD exomes below 0.00001 and 0.00002; gnomAD 0.00001; ExAC 0.00002.
gnomAD v4.1: 6 of 1,178,941 alleles (0.00051%); highest among the groups gnomAD compares: Admixed American, 0.0087%; no homozygotes.

Submission:

Labcorp Genetics (formerly Invitae), Labcorp
Classification: Uncertain significance. Last evaluated: 2021-11-19. Review status: criteria provided, single submitter. Criteria: Invitae Variant Classification Sherloc (09022015). Collection method: clinical testing. Allele origin: germline.
Comment: In summary, the available evidence is currently insufficient to determine the role of this variant in disease. Therefore, it has been classified as a Variant of Uncertain Significance. Algorithms developed to predict the effect of missense changes on protein structure and function are either unavailable or do not agree on the potential impact of this missense change (SIFT: "Deleterious"; PolyPhen-2: "Benign"; Align-GVGD: "Class C0"). This variant has not been reported in the literature in individuals affected with FRMD7-related conditions. This variant is present in population databases (rs771169687, gnomAD 0.008%). This sequence change replaces asparagine, which is neutral and polar, with aspartic acid, which is acidic and polar, at codon 116 of the FRMD7 protein (p.Asn116Asp).